The following is an entry in ClinVar:

NM_022167.4(XYLT2):c.1573A>T (p.Ser525Cys)

Gene: XYLT2 (xylosyltransferase 2; plus strand). Cytogenetic location: 17q21.33.
Variant type: single nucleotide variant.
Coding change: c.1573A>T on transcript NM_022167.4 (MANE Select); coding-DNA position 1573, A replaced by T.
Protein change: p.Ser525Cys; replaces serine 525 with cysteine.
Molecular consequence: missense variant.
Genome position (GRCh38, 1-based): chr17:50,356,601, A>T. VCF-style: chr17-50356601-A-T. GRCh37 (hg19) VCF-style: chr17-48433962-A-T.
Other names: c.1573A>T (NM_022167.3); short protein forms S525C.
Identifiers: ClinVar variation 1462184 (VCV001462184.9), dbSNP rs1447889654, ClinGen allele CA400208536.

ClinVar aggregate classification (germline): Uncertain significance. Review status: criteria provided, multiple submitters, no conflicts (2 of 4 stars). 2 submissions from 2 submitters: Uncertain significance (2). Last evaluated 2025-04-26.

Conditions:
XYLT2-related disorder. Also called: XYLT2-related condition.

Allele frequency attached by ClinVar (database versions not stated): gnomAD exomes below 0.00001; gnomAD 0.00001.

Submissions (2):

PreventionGenetics, part of Exact Sciences
Classification: Uncertain significance for XYLT2-related condition. Last evaluated: 2025-04-26. Review status: criteria provided, single submitter. Criteria: ACMG Guidelines, 2015. Collection method: clinical testing. Allele origin: germline.
Comment: The XYLT2 c.1573A>T variant is predicted to result in the amino acid substitution p.Ser525Cys. To our knowledge, this variant has not been reported in the literature. This variant is reported in 0.011% of alleles in individuals of African descent in gnomAD. At this time, the clinical significance of this variant is uncertain due to the absence of conclusive functional and genetic evidence.

Labcorp Genetics (formerly Invitae), Labcorp
Classification: Uncertain significance. Last evaluated: 2022-06-13. Review status: criteria provided, single submitter. Criteria: Invitae Variant Classification Sherloc (09022015). Collection method: clinical testing. Allele origin: germline.
Comment: This sequence change replaces serine, which is neutral and polar, with cysteine, which is neutral and slightly polar, at codon 525 of the XYLT2 protein (p.Ser525Cys). This variant is present in population databases (no rsID available, gnomAD 0.01%). This variant has not been reported in the literature in individuals affected with XYLT2-related conditions. Algorithms developed to predict the effect of missense changes on protein structure and function are either unavailable or do not agree on the potential impact of this missense change (SIFT: "Deleterious"; PolyPhen-2: "Possibly Damaging"; Align-GVGD: "Class C15"). In summary, the available evidence is currently insufficient to determine the role of this variant in disease. Therefore, it has been classified as a Variant of Uncertain Significance.